The following is an entry in ClinVar:

NM_003805.5(CRADD):c.502C>T (p.Arg168Trp)

Gene: CRADD (CARD and death domain containing adaptor protein; plus strand). Cytogenetic location: 12q22.
Variant type: single nucleotide variant.
Coding change: c.502C>T on transcript NM_003805.5 (MANE Select); coding-DNA position 502, C replaced by T.
Protein change: p.Arg168Trp; replaces arginine 168 with tryptophan.
Molecular consequence: missense variant. On other transcripts: intron variant (1).
Genome position (GRCh38, 1-based): chr12:93,850,173, C>T. VCF-style: chr12-93850173-C-T. GRCh37 (hg19) VCF-style: chr12-94243949-C-T.
Other names: c.502C>T, p.Arg168Trp (NM_001320099.2); c.299-43877C>T (NM_001320100.2); short protein forms R168W.
Identifiers: ClinVar variation 2722687 (VCV002722687.3), dbSNP rs759706743, ClinGen allele CA6720242.

ClinVar aggregate classification (germline): Uncertain significance (1 of 4 stars; one submission).

Allele frequency attached by ClinVar (database versions not stated): TOPMed below 0.00001.
gnomAD v4.1: 28 of 1,613,768 alleles (0.0017%); highest among the groups gnomAD compares: South Asian, 0.0099%; no homozygotes.

Submission:

Labcorp Genetics (formerly Invitae), Labcorp
Classification: Uncertain significance. Last evaluated: 2023-11-19. Review status: criteria provided, single submitter. Criteria: Invitae Variant Classification Sherloc (09022015). Collection method: clinical testing. Allele origin: germline.
Comment: This sequence change replaces arginine, which is basic and polar, with tryptophan, which is neutral and slightly polar, at codon 168 of the CRADD protein (p.Arg168Trp). This variant is present in population databases (rs759706743, gnomAD 0.006%). This variant has not been reported in the literature in individuals affected with CRADD-related conditions. An algorithm developed to predict the effect of missense changes on protein structure and function (PolyPhen-2) suggests that this variant is likely to be disruptive. In summary, the available evidence is currently insufficient to determine the role of this variant in disease. Therefore, it has been classified as a Variant of Uncertain Significance.